The following is an entry in ClinVar:

ClinVar aggregate classification (germline): Uncertain significance (1 of 4 stars; one submission).

Conditions:
Inborn genetic diseases. Identifiers: MedGen C0950123, MeSH D030342.

Allele frequency attached by ClinVar (database versions not stated): ExAC 0.00001.

Submission:

Ambry Genetics
Classification: Uncertain significance for Inborn genetic diseases. Last evaluated: 2023-05-30. Review status: criteria provided, single submitter. Criteria: Ambry Variant Classification Scheme 2023. Collection method: clinical testing. Allele origin: germline.
Comment: The p.Y327S variant (also known as c.980A>C), located in coding exon 8 of the EPAS1 gene, results from an A to C substitution at nucleotide position 980. The tyrosine at codon 327 is replaced by serine, an amino acid with dissimilar properties. This amino acid position is conserved. In addition, the in silico prediction for this alteration is inconclusive. Since supporting evidence is limited at this time, the clinical significance of this alteration remains unclear.

NM_001430.5(EPAS1):c.980A>C (p.Tyr327Ser)

Gene: EPAS1 (endothelial PAS domain protein 1; plus strand). Cytogenetic location: 2p21.
Variant type: single nucleotide variant.
Coding change: c.980A>C on transcript NM_001430.5 (MANE Select); coding-DNA position 980, A replaced by C.
Protein change: p.Tyr327Ser; replaces tyrosine 327 with serine.
Molecular consequence: missense variant.
Genome position (GRCh38, 1-based): chr2:46,375,783, A>C. VCF-style: chr2-46375783-A-C. GRCh37 (hg19) VCF-style: chr2-46602922-A-C.
Other names: short protein forms Y327S.
Identifiers: ClinVar variation 2562013 (VCV002562013.2), dbSNP rs751127270, ClinGen allele CA1644834.